The following is an entry in ClinVar:

ClinVar aggregate classification (germline): Uncertain significance (1 of 4 stars; one submission).

Allele frequency attached by ClinVar (database versions not stated): TOPMed below 0.00001.
gnomAD v4.1: 3 of 1,608,206 alleles (0.00019%); highest among the groups gnomAD compares: Non-Finnish European, 0.00025%; no homozygotes.

Submission:

GeneDx
Classification: Uncertain significance. Last evaluated: 2026-07-23. Review status: criteria provided, single submitter. Criteria: GeneDx Variant Classification Process June 2021. Collection method: clinical testing. Allele origin: germline.
Comment: Not observed at significant frequency in large population cohorts (gnomAD); In silico analysis supports that this missense variant has a deleterious effect on protein structure/function; Has not been previously published as pathogenic or benign to our knowledge

NM_018896.5(CACNA1G):c.4141C>T (p.Arg1381Trp)

Gene: CACNA1G (calcium voltage-gated channel subunit alpha1 G; plus strand). Cytogenetic location: 17q21.33.
Variant type: single nucleotide variant.
Coding change: c.4141C>T on transcript NM_018896.5 (MANE Select); coding-DNA position 4141, C replaced by T.
Protein change: p.Arg1381Trp; replaces arginine 1381 with tryptophan.
Molecular consequence: missense variant. On other transcripts: non-coding transcript variant (5).
Genome position (GRCh38, 1-based): chr17:50,603,171, C>T. VCF-style: chr17-50603171-C-T. GRCh37 (hg19) VCF-style: chr17-48680532-C-T.
Other names: c.4141C>T, p.Arg1381Trp (NM_001256324.2, NM_001256325.2, NM_001256326.2 and 16 more transcripts); c.4072C>T, p.Arg1358Trp (NM_001256332.2, NM_198376.3, NM_198379.3 and 5 more transcripts); short protein forms R1358W, R1381W.
Identifiers: ClinVar variation 2444607 (VCV002444607.2), dbSNP rs536204813, ClinGen allele CA291623920.